The following is an entry in ClinVar:

NM_003072.5(SMARCA4):c.2438+6T>C

Gene: SMARCA4 (SWI/SNF related BAF chromatin remodeling complex subunit ATPase 4; plus strand). Cytogenetic location: 19p13.2.
Variant type: single nucleotide variant.
Coding change: c.2438+6T>C on transcript NM_003072.5 (MANE Select); 6 bases into the intron after coding-DNA position 2438, T replaced by C.
Molecular consequence: intron variant.
Genome position (GRCh38, 1-based): chr19:11,013,118, T>C. VCF-style: chr19-11013118-T-C. GRCh37 (hg19) VCF-style: chr19-11123794-T-C.
Other names: c.2438+6T>C (NM_001128844.3, NM_001128849.3, NM_001128847.4 and 6 more transcripts).
Identifiers: ClinVar variation 4734719 (VCV004734719.1).
Genomic context (GRCh38, chr19:11,013,118, plus strand): 5'-ACCTCATGGAGCACAAACGCATCAATGGGCCCTTCCTCATCATCGTGCCTCTCTCGTGAG[T>C]ACCCGCTGCCAGCAACATCCCACACGCCGCTCACACGCTCCTGTGTTTGTTTCCTAAGTT-3'

ClinVar aggregate classification (germline): Uncertain significance (1 of 4 stars; one submission).

Conditions:
Rhabdoid tumor predisposition syndrome 2 (RTPS2). Identifiers: Orphanet 231108, Orphanet 69077, MedGen C2750074, MONDO:0013224, OMIM 613325.

gnomAD v4.1: 2 of 1,613,834 alleles (0.00012%); highest among the groups gnomAD compares: Non-Finnish European, 0.000085%; no homozygotes.

Submission:

Labcorp Genetics (formerly Invitae), Labcorp
Classification: Uncertain significance for Rhabdoid tumor predisposition syndrome 2. Last evaluated: 2026-01-05. Review status: criteria provided, single submitter. Criteria: Invitae Variant Classification Sherloc (09022015). Collection method: clinical testing. Allele origin: germline.
Comment: This sequence change falls in intron 16 of the SMARCA4 gene. It does not directly change the encoded amino acid sequence of the SMARCA4 protein. It affects a nucleotide within the consensus splice site. This variant is not present in population databases (gnomAD no frequency). This variant has not been reported in the literature in individuals affected with SMARCA4-related conditions. Variants that disrupt the consensus splice site are a relatively common cause of aberrant splicing (PMID: 17576681, 9536098). Algorithms developed to predict the effect of sequence changes on RNA splicing suggest that this variant is not likely to affect RNA splicing. In summary, the available evidence is currently insufficient to determine the role of this variant in disease. Therefore, it has been classified as a Variant of Uncertain Significance.

Literature cited by the submitters: PubMed 17576681; PubMed 9536098.